The following is an entry in ClinVar:

ClinVar aggregate classification (germline): Uncertain significance (1 of 4 stars; one submission).

Conditions:
MHC class II deficiency. Also called: Bare lymphocyte syndrome 2; BLS, TYPE II. Identifiers: Orphanet 572, MedGen C5447452, MONDO:0008855.

Allele frequency attached by ClinVar (database versions not stated): gnomAD exomes below 0.00001.
gnomAD v4.1: 1 of 1,613,756 alleles (0.000062%); highest among the groups gnomAD compares: Non-Finnish European, 0.000085%; no homozygotes.

Submission:

Labcorp Genetics (formerly Invitae), Labcorp
Classification: Uncertain significance for MHC class II deficiency. Last evaluated: 2021-08-30. Review status: criteria provided, single submitter. Criteria: Invitae Variant Classification Sherloc (09022015). Collection method: clinical testing. Allele origin: germline.
Comment: This sequence change replaces arginine with threonine at codon 369 of the CIITA protein (p.Arg369Thr). The arginine residue is moderately conserved and there is a moderate physicochemical difference between arginine and threonine. This variant is not present in population databases (ExAC no frequency). This variant has not been reported in the literature in individuals affected with CIITA-related conditions. Algorithms developed to predict the effect of missense changes on protein structure and function are either unavailable or do not agree on the potential impact of this missense change (SIFT: "Deleterious"; PolyPhen-2: "Possibly Damaging"; Align-GVGD: "Class C0"). In summary, the available evidence is currently insufficient to determine the role of this variant in disease. Therefore, it has been classified as a Variant of Uncertain Significance.

NM_000246.4(CIITA):c.1106G>C (p.Arg369Thr)

Gene: CIITA (class II major histocompatibility complex transactivator; plus strand). Cytogenetic location: 16p13.13.
Variant type: single nucleotide variant.
Coding change: c.1106G>C on transcript NM_000246.4 (MANE Select); coding-DNA position 1106, G replaced by C.
Protein change: p.Arg369Thr; replaces arginine 369 with threonine.
Molecular consequence: missense variant. On other transcripts: intron variant (1).
Genome position (GRCh38, 1-based): chr16:10,906,598, G>C. VCF-style: chr16-10906598-G-C. GRCh37 (hg19) VCF-style: chr16-11000455-G-C.
Other names: c.1109G>C, p.Arg370Thr (NM_001286402.1, NM_001379332.1); c.962G>C, p.Arg321Thr (NM_001379330.1); c.959G>C, p.Arg320Thr (NM_001379331.1); c.1106G>C, p.Arg369Thr (NM_001379333.1); c.1037G>C, p.Arg346Thr (NM_001379334.1); c.859+1786G>C (NM_001286403.2); short protein forms R369T, R320T, R370T, R346T, R321T.
Identifiers: ClinVar variation 949087 (VCV000949087.4), dbSNP rs2039173383, ClinGen allele CA394729785.
Genomic context (GRCh38, chr16:10,906,598, plus strand): 5'-ATGGTGCCGAGCCCGCAGGCCCGGATGGCATCCTAGTGGAGGTGGATCTGGTGCAGGCCA[G>C]GCTGGAGAGGAGCAGCAGCAAGAGCCTGGAGCGGGAACTGGCCACCCCGGACTGGGCAGA-3'
Protein context (NP_000237.2, residues 359-379): ILVEVDLVQA[Arg369Thr]LERSSSKSLE